The following is an entry in ClinVar:

NM_001292063.2(OTOG):c.7121G>A (p.Cys2374Tyr)

Gene: OTOG (otogelin; plus strand). Cytogenetic location: 11p15.1.
Variant type: single nucleotide variant.
Coding change: c.7121G>A on transcript NM_001292063.2 (MANE Select); coding-DNA position 7121, G replaced by A.
Protein change: p.Cys2374Tyr; replaces cysteine 2374 with tyrosine.
Molecular consequence: missense variant.
Genome position (GRCh38, 1-based): chr11:17,633,728, G>A. VCF-style: chr11-17633728-G-A. GRCh37 (hg19) VCF-style: chr11-17655275-G-A.
Other names: c.7157G>A, p.Cys2386Tyr (NM_001277269.2); short protein forms C2374Y, C2386Y.
Identifiers: ClinVar variation 1031284 (VCV001031284.4), dbSNP rs1017790030, ClinGen allele CA218497583.

ClinVar aggregate classification (germline): Uncertain significance. Review status: criteria provided, multiple submitters, no conflicts (2 of 4 stars). 2 submissions from 2 submitters: Uncertain significance (2). Last evaluated 2023-12-11.

Conditions:
Autosomal recessive nonsyndromic hearing loss 18B. Also called: Deafness, autosomal recessive 18b. Identifiers: Orphanet 90636, MedGen C3554163, MONDO:0013985, OMIM 614945.

Allele frequency attached by ClinVar (database versions not stated): gnomAD exomes below 0.00001 and 0.00001; gnomAD 0.00001; TOPMed 0.00001.
gnomAD v4.1: 5 of 1,549,876 alleles (0.00032%); highest among the groups gnomAD compares: African/African-American, 0.0014%; no homozygotes.

Submissions (2):

Labcorp Genetics (formerly Invitae), Labcorp
Classification: Uncertain significance. Last evaluated: 2023-12-11. Review status: criteria provided, single submitter. Criteria: Invitae Variant Classification Sherloc (09022015). Collection method: clinical testing. Allele origin: germline.
Comment: This sequence change replaces cysteine, which is neutral and slightly polar, with tyrosine, which is neutral and polar, at codon 2386 of the OTOG protein (p.Cys2386Tyr). This variant is present in population databases (no rsID available, gnomAD 0.002%). This variant has not been reported in the literature in individuals affected with OTOG-related conditions. ClinVar contains an entry for this variant (Variation ID: 1031284). An algorithm developed to predict the effect of missense changes on protein structure and function (PolyPhen-2) suggests that this variant is likely to be disruptive. In summary, the available evidence is currently insufficient to determine the role of this variant in disease. Therefore, it has been classified as a Variant of Uncertain Significance.

Baylor Genetics
Classification: Uncertain significance for Autosomal recessive nonsyndromic hearing loss 18B. Last evaluated: 2019-12-26. Review status: criteria provided, single submitter. Criteria: ACMG Guidelines, 2015. Collection method: clinical testing. Allele origin: unknown. Affected: yes.
Comment: This variant was determined to be of uncertain significance according to ACMG Guidelines, 2015 [PMID:25741868].